The following is an entry in ClinVar:

ClinVar aggregate classification (germline): Benign/Likely benign. Review status: criteria provided, multiple submitters, no conflicts (2 of 4 stars). 10 submissions from 10 submitters: Benign (7); Likely benign (2). 1 of the submissions does not count toward it. Last evaluated 2026-02-04.

Conditions:
Hermansky-Pudlak syndrome (HPS). Also called: ALBINISM WITH HEMORRHAGIC DIATHESIS AND PIGMENTED RETICULOENDOTHELIAL CELLS. Identifiers: Orphanet 79430, MedGen C0079504, MONDO:0019312.
Hermansky-Pudlak syndrome 3 (HPS3). Identifiers: Orphanet 231512, Orphanet 79430, MedGen C3888001, MONDO:0013555, OMIM 614072.

Allele frequency attached by ClinVar (database versions not stated): 1000 Genomes Project 0.02556; 1000 Genomes Project 30x 0.02748; TOPMed 0.02965; ESP Exome Variant Server 0.03214; gnomAD 0.03245.
gnomAD v4.1: 54,733 of 1,590,148 alleles (3.4%); highest among the groups gnomAD compares: Middle Eastern, 5.4%; 1,092 homozygotes.

Submissions (10):

Labcorp Genetics (formerly Invitae), Labcorp
Classification: Benign. Last evaluated: 2026-02-04. Review status: criteria provided, single submitter. Criteria: Invitae Variant Classification Sherloc (09022015). Collection method: clinical testing. Allele origin: germline.

Women's Health and Genetics/Laboratory Corporation of America, LabCorp
Classification: Benign. Last evaluated: 2025-02-09. Review status: criteria provided, single submitter. Criteria: LabCorp Variant Classification Summary - May 2015. Collection method: clinical testing. Allele origin: germline.

Mayo Clinic Laboratories, Mayo Clinic
Classification: Benign. Last evaluated: 2023-11-30. Review status: criteria provided, single submitter. Criteria: ACMG Guidelines, 2015. Collection method: clinical testing. Allele origin: germline. Observed: 31 variant alleles.
Comment: BS1, BS2, BP4, BP7

Genome-Nilou Lab
Classification: Benign for Hermansky-Pudlak syndrome 3. Last evaluated: 2021-07-10. Review status: criteria provided, single submitter. Criteria: ACMG Guidelines, 2015. Collection method: clinical testing. Allele origin: germline. Affected: no.

GeneDx
Classification: Likely benign. Last evaluated: 2020-01-20. Review status: criteria provided, single submitter. Criteria: GeneDx Variant Classification Process June 2021. Collection method: clinical testing. Allele origin: germline. Affected: yes.

Illumina Laboratory Services, Illumina
Classification: Benign for Hermansky-Pudlak syndrome 3. Last evaluated: 2018-01-13. Review status: criteria provided, single submitter. Criteria: ICSL Variant Classification Criteria 13 December 2019. Collection method: clinical testing. Allele origin: germline.
Comment: This variant was observed in the ICSL laboratory as part of a predisposition screen in an ostensibly healthy population. It had not been previously curated by ICSL or reported in the Human Gene Mutation Database (HGMD: prior to June 1st, 2018), and was therefore a candidate for classification through an automated scoring system. Utilizing variant allele frequency, disease prevalence and penetrance estimates, and inheritance mode, an automated score was calculated to assess if this variant is too frequent to cause the disease. Based on the score and internal cut-off values, a variant classified as benign is not then subjected to further curation. The score for this variant resulted in a classification of benign for this disease.

Laboratory for Molecular Medicine, Mass General Brigham Personalized Medicine
Classification: Benign. Last evaluated: 2013-02-21. Review status: criteria provided, single submitter. Criteria: LMM Criteria. Collection method: clinical testing. Allele origin: germline. Observed: 9 variant alleles.
Comment: Thr493Thr in exon 8 of HPS3: This variant is not expected to have clinical signi ficance because it does not alter an amino acid residue and is not located withi n the splice consensus sequence. It has been identified in 3.4% (294/8600) of Eu ropean American chromosomes from a broad population by the NHLBI Exome Sequencin g Project (dbSNP rs34197730).

Breakthrough Genomics
Classification: Likely benign. Review status: criteria provided, single submitter. Criteria: ACMG Guidelines, 2015. Collection method: not provided. Allele origin: germline. Inheritance: Autosomal recessive inheritance. Affected: yes.

PreventionGenetics, part of Exact Sciences
Classification: Benign. Review status: criteria provided, single submitter. Criteria: ACMG Guidelines, 2015. Collection method: clinical testing. Allele origin: germline.

Natera, Inc.
Classification: Benign for Hermansky-Pudlak syndrome. Last evaluated: 2020-09-16. Review status: no assertion criteria provided. Collection method: clinical testing. Allele origin: germline. Not counted in ClinVar's aggregate classification.

NM_032383.5(HPS3):c.1479G>A (p.Thr493=)

Gene: HPS3 (HPS3 biogenesis of lysosomal organelles complex 2 subunit 1; plus strand). Cytogenetic location: 3q24.
Variant type: single nucleotide variant.
Coding change: c.1479G>A on transcript NM_032383.5 (MANE Select); coding-DNA position 1479, G replaced by A.
Protein change: p.Thr493=; no amino-acid change (threonine 493 retained).
Molecular consequence: synonymous variant.
Genome position (GRCh38, 1-based): chr3:149,155,185, G>A. VCF-style: chr3-149155185-G-A. GRCh37 (hg19) VCF-style: chr3-148872972-G-A.
Other names: p.Thr493=; c.984G>A, p.Thr328= (NM_001308258.2).
Identifiers: ClinVar variation 178778 (VCV000178778.27), dbSNP rs34197730, ClinGen allele CA183016.